The following is an entry in ClinVar:

ClinVar aggregate classification (germline): Uncertain significance (1 of 4 stars; one submission).

Conditions:
Neuropathy, hereditary sensory and autonomic, type 2A (HSAN2A). Also called: ACROOSTEOLYSIS, NEUROGENIC; ACROOSTEOLYSIS, GIACCAI TYPE; MORVAN DISEASE; NEUROPATHY, CONGENITAL SENSORY; NEUROPATHY, HEREDITARY SENSORY RADICULAR, AUTOSOMAL RECESSIVE; NEUROPATHY, HEREDITARY SENSORY, TYPE IIA. Identifiers: Orphanet 970, MedGen C2752089, MONDO:0024309, OMIM 201300.
Generalized epilepsy with febrile seizures plus, type 7 (GEFSP7). Also called: GEFS+, TYPE 7. Identifiers: Orphanet 36387, MedGen C2751778, MONDO:0013470, OMIM 613863.

Submission:

Labcorp Genetics (formerly Invitae), Labcorp
Classification: Uncertain significance for Neuropathy, hereditary sensory and autonomic, type 2A; Generalized epilepsy with febrile seizures plus, type 7. Last evaluated: 2019-05-08. Review status: criteria provided, single submitter. Criteria: Invitae Variant Classification Sherloc (09022015). Collection method: clinical testing. Allele origin: germline.
Comment: This sequence change deletes and inserts 4 nucleotides in exon 27 of the SCN9A mRNA (c.5713_5716delinsAACT). This leads to a deletion and insertion of 2 amino acid residues in the SCN9A protein (p.Tyr1905_Ile1906delinsAsnLeu) but otherwise preserves the integrity of the reading frame. This variant is not present in population databases (ExAC no frequency) and has not been reported in the literature in individuals with a SCN9A-related disease. This variant is reported as two separate single-nucleotide changes in population databases (c.5713T>A, ExAC 0.002% and c.5716A>T, ExAC 0.002%). In all reads displayed in the ExAC browser, these two variants are in cis. This recapitulates the variant observed here (c.5713_5716delinsAACT). However, this frequency data may be unreliable, as metrics indicate poor quality at position c.5716 in the ExAC database. This variant has not been reported in the literature in individuals with a SCN9A-related disease. Experimental studies and prediction algorithms are not available for this variant, and the functional significance of the deleted and inserted amino acids is currently unknown. In summary, this variant is a rare in-frame deletion and insertion with uncertain impact on protein function. It has been classified as a Variant of Uncertain Significance.

NM_001365536.1(SCN9A):c.5746_5749delinsAACT (p.Tyr1916_Ile1917delinsAsnLeu)

Genes: SCN9A (sodium voltage-gated channel alpha subunit 9; minus strand), SCN1A-AS1 (SCN1A and SCN9A antisense RNA 1; plus strand). Cytogenetic location: 2q24.3.
Variant type: Indel.
Coding change: c.5746_5749delinsAACT on transcript NM_001365536.1 (MANE Select); coding-DNA positions 5746 to 5749, TACA replaced by AACT.
Protein change: p.Tyr1916_Ile1917delinsAsnLeu.
Molecular consequence: missense variant.
Genome position (GRCh38, 1-based): chr2:166,198,890-166,198,893, TGTA replaced by AGTT on the plus strand (TACA replaced by AACT on the coding strand, the reverse complement: SCN9A is on the minus strand). VCF-style: chr2-166198890-TGTA-AGTT. GRCh37 (hg19) VCF-style: chr2-167055400-TGTA-AGTT.
Other names: c.5713_5716delinsAACT, p.Tyr1905_Ile1906delinsAsnLeu (LRG_369t1).
Identifiers: ClinVar variation 471150 (VCV000471150.6), dbSNP rs1553472800, ClinGen allele CA658657117.
Genomic context (GRCh38, chr2:166,198,890, plus strand): 5'-CATTATCAAAAGCCATATCTTTTTTATTGAGTAAATCATCATCTCTGTCTCCATCTTTTA[TGTA>AGTT]TATACTTGATATATTTTTGACATTTTGCCTTAAGCGGTAACGTCTATAAGCACGCTGAAT-3'